The following is an entry in ClinVar:

NM_015443.4(KANSL1):c.1265A>T (p.Asp422Val)

Gene: KANSL1 (KAT8 regulatory NSL complex subunit 1). Cytogenetic location: 17q21.31.
Variant type: single nucleotide variant.
Coding change: c.1265A>T on transcript NM_015443.4 (MANE Select); coding-DNA position 1265, A replaced by T.
Protein change: p.Asp422Val; replaces aspartic acid 422 with valine.
Molecular consequence: missense variant.
Genome position (GRCh38, 1-based): chr17:46,170,879, T>A on the plus strand (A>T on the coding strand, the complement: KANSL1 is on the minus strand). VCF-style: chr17-46170879-T-A. GRCh37 (hg19) VCF-style: chr17-44248245-T-A.
Other names: p.D422V:GAT>GTT; c.1265A>T, p.Asp422Val (NM_001193465.2, NM_001193466.2, NM_001379198.1); short protein forms D422V.
Identifiers: ClinVar variation 205784 (VCV000205784.13), dbSNP rs191058987, ClinGen allele CA315194.

ClinVar aggregate classification (germline): Likely benign. Review status: criteria provided, multiple submitters, no conflicts (2 of 4 stars). 2 submissions from 2 submitters: Likely benign (2). Last evaluated 2022-08-23.

Conditions:
Koolen-de Vries syndrome (KDVS). Identifiers: Orphanet 96169, MedGen C1864871, MONDO:0012496, OMIM 610443.

Allele frequency attached by ClinVar (database versions not stated): TOPMed 0.00004; gnomAD exomes 0.00006; 1000 Genomes Project 30x 0.00016; 1000 Genomes Project 0.00020; gnomAD 0.00001.
gnomAD v4.1: 35 of 1,610,358 alleles (0.0022%); highest among the groups gnomAD compares: Admixed American, 0.059%; no homozygotes.

Submissions (2):

Labcorp Genetics (formerly Invitae), Labcorp
Classification: Likely benign for Koolen-de Vries syndrome. Last evaluated: 2022-08-23. Review status: criteria provided, single submitter. Criteria: Invitae Variant Classification Sherloc (09022015). Collection method: clinical testing. Allele origin: germline.

GeneDx
Classification: Likely benign. Last evaluated: 2015-09-28. Review status: criteria provided, single submitter. Criteria: GeneDx Variant Classification (06012015). Collection method: clinical testing. Allele origin: germline. Affected: yes.
Comment: This variant is considered likely benign or benign based on one or more of the following criteria: it is a conservative change, it occurs at a poorly conserved position in the protein, it is predicted to be benign by multiple in silico algorithms, and/or has population frequency not consistent with disease.